The following is an entry in ClinVar:

ClinVar aggregate classification (germline): Uncertain significance (1 of 4 stars; one submission).

Submission:

GeneDx
Classification: Uncertain significance. Last evaluated: 2025-04-16. Review status: criteria provided, single submitter. Criteria: GeneDx Variant Classification Process June 2021. Collection method: clinical testing. Allele origin: germline. Affected: yes.
Comment: Not observed at significant frequency in large population cohorts (gnomAD); In silico analysis supports that this missense variant has a deleterious effect on protein structure/function; Has not been previously published as pathogenic or benign to our knowledge

NM_012154.5(AGO2):c.2084A>G (p.Glu695Gly)

Gene: AGO2 (argonaute RISC catalytic component 2; minus strand). Cytogenetic location: 8q24.3.
Variant type: single nucleotide variant.
Coding change: c.2084A>G on transcript NM_012154.5 (MANE Select); coding-DNA position 2084, A replaced by G.
Protein change: p.Glu695Gly; replaces glutamic acid 695 with glycine.
Molecular consequence: missense variant.
Genome position (GRCh38, 1-based): chr8:140,539,405, T>C on the plus strand (A>G on the coding strand, the complement: AGO2 is on the minus strand). VCF-style: chr8-140539405-T-C. GRCh37 (hg19) VCF-style: chr8-141549504-T-C.
Other names: c.2084A>G, p.Glu695Gly (NM_001164623.3); short protein forms E695G.
Identifiers: ClinVar variation 4282020 (VCV004282020.1).